The following is an entry in ClinVar:

NM_003000.3(SDHB):c.396C>G (p.His132Gln)

Gene: SDHB (succinate dehydrogenase complex iron sulfur subunit B; minus strand). Cytogenetic location: 1p36.13.
Variant type: single nucleotide variant.
Coding change: c.396C>G on transcript NM_003000.3 (MANE Select); coding-DNA position 396, C replaced by G.
Protein change: p.His132Gln; replaces histidine 132 with glutamine.
Molecular consequence: missense variant. On other transcripts: intron variant (1).
Genome position (GRCh38, 1-based): chr1:17,028,627, G>C on the plus strand (C>G on the coding strand, the complement: SDHB is on the minus strand). VCF-style: chr1-17028627-G-C. GRCh37 (hg19) VCF-style: chr1-17355122-G-C.
Other names: c.369+27C>G (NM_001407361.1); short protein forms H132Q.
Identifiers: ClinVar variation 4864260 (VCV004864260.1).

ClinVar aggregate classification (germline): Uncertain significance (1 of 4 stars; one submission).

Conditions:
Hereditary cancer-predisposing syndrome. Also called: Neoplastic Syndromes, Hereditary; Tumor predisposition; Hereditary Cancer Syndrome; Hereditary neoplastic syndrome. Identifiers: Orphanet 140162, MedGen C0027672, MeSH D009386, MONDO:0015356.

Submission:

Ambry Genetics
Classification: Uncertain significance for Hereditary cancer-predisposing syndrome. Last evaluated: 2026-04-01. Review status: criteria provided, single submitter. Criteria: Ambry Variant Classification Scheme 2023. Collection method: clinical testing. Allele origin: germline.
Comment: The p.H132Q variant (also known as c.396C>G), located in coding exon 4 of the SDHB gene, results from a C to G substitution at nucleotide position 396. The histidine at codon 132 is replaced by glutamine, an amino acid with highly similar properties. This amino acid position is highly conserved in available vertebrate species. In addition, this alteration is predicted to be deleterious by in silico analysis. Based on the available evidence, the clinical significance of this variant remains unclear.